The following is an entry in ClinVar:

ClinVar aggregate classification (germline): Likely benign (1 of 4 stars; one submission).

Allele frequency attached by ClinVar (database versions not stated): gnomAD exomes 0.00001; ExAC 0.00002; gnomAD 0.00003; TOPMed 0.00005.
gnomAD v4.1: 12 of 1,611,988 alleles (0.00074%); highest among the groups gnomAD compares: African/African-American, 0.004%; no homozygotes.

Submission:

CeGaT Center for Human Genetics Tuebingen
Classification: Likely benign. Last evaluated: 2022-07-01. Review status: criteria provided, single submitter. Criteria: CeGaT Center For Human Genetics Tuebingen Variant Classification Criteria Version 2. Collection method: clinical testing. Allele origin: germline. Affected: yes. Observed: 1 variant allele.
Comment: YEATS2: BP4

NM_018023.5(YEATS2):c.925-4A>G

Gene: YEATS2 (YEATS domain containing 2; plus strand). Cytogenetic location: 3q27.1.
Variant type: single nucleotide variant.
Coding change: c.925-4A>G on transcript NM_018023.5 (MANE Select); 4 bases into the intron before coding-DNA position 925, A replaced by G.
Molecular consequence: intron variant.
Genome position (GRCh38, 1-based): chr3:183,747,668, A>G. VCF-style: chr3-183747668-A-G. GRCh37 (hg19) VCF-style: chr3-183465456-A-G.
Other names: c.925-4A>G (NM_001351370.2, NM_001351371.2, NM_001351369.2).
Identifiers: ClinVar variation 2654297 (VCV002654297.24), dbSNP rs772723519, ClinGen allele CA2722158.
Genomic context (GRCh38, chr3:183,747,668, plus strand): 5'-ATCCTATGATAATATGTAAGTAAGTGCAGTGAAATTTAACACTCTCCCTTTTGTCTTTCC[A>G]TAGCTGGATAGAACTTATACTGGCTTGCAGACTCTTGGAGCAGAGACGGTAGGTTTTTTT-3'